The following is an entry in ClinVar:

NM_002875.5(RAD51):c.896+4A>G

Gene: RAD51 (RAD51 recombinase; plus strand). Cytogenetic location: 15q15.1.
Variant type: single nucleotide variant.
Coding change: c.896+4A>G on transcript NM_002875.5 (MANE Select); 4 bases into the intron after coding-DNA position 896, A replaced by G.
Molecular consequence: intron variant.
Genome position (GRCh38, 1-based): chr15:40,729,978, A>G. VCF-style: chr15-40729978-A-G. GRCh37 (hg19) VCF-style: chr15-41022176-A-G.
Other names: c.899+4A>G (NM_133487.4, NM_001164269.2); c.774+344A>G (NM_001164270.2).
Identifiers: ClinVar variation 3731540 (VCV003731540.1).
Genomic context (GRCh38, chr15:40,729,978, plus strand): 5'-TGCTGATCCCAAAAAACCTATTGGAGGAAATATCATCGCCCATGCATCAACAACCAGGTA[A>G]GGTGTTGATGGGATCAGTTCTTCTTTTCGGAATGTCATATTAACTGTGAAGACATGAAGA-3'

ClinVar aggregate classification (germline): Uncertain significance (1 of 4 stars; one submission).

Conditions:
Familial cancer of breast. Also called: Hereditary breast cancer; hereditary breast carcinoma; BREAST CANCER, FAMILIAL. Identifiers: Orphanet 227535, MedGen C0346153, MONDO:0016419, OMIM 114480. Disease mechanism: loss of function.

gnomAD v4.1: 3 of 1,613,838 alleles (0.00019%); highest among the groups gnomAD compares: Admixed American, 0.0017%; no homozygotes.

Submission:

Neuberg Centre For Genomic Medicine, NCGM
Classification: Uncertain significance for Familial cancer of breast. Last evaluated: 2023-06-22. Review status: criteria provided, single submitter. Criteria: ACMG Guidelines, 2015. Collection method: clinical testing. Allele origin: germline. Inheritance: Autosomal dominant inheritance. Affected: yes.
Comment: The splice region variant c.896+4A>G in RAD51 gene has not been reported previously as a pathogenic variant nor as a benign variant, to our knowledge. The c.896+4A>G variant is absent in gnomAD exomes database. This variant has not been submitted to the ClinVar database. SpliceAI predicts 0.0200 score for this variant. For these reasons, this variant has been classified as Uncertain Significance (VUS).